The following is an entry in ClinVar:

ClinVar aggregate classification (germline): Pathogenic/Likely pathogenic. Review status: criteria provided, multiple submitters, no conflicts (2 of 4 stars). 2 submissions from 2 submitters: Pathogenic (1); Likely pathogenic (1). Last evaluated 2025-01-28.

Conditions:
Mucolipidosis type IV (ML4). Also called: ML IV. Identifiers: Orphanet 578, MedGen C0238286, MONDO:0009653, OMIM 252650.

Submissions (2):

Natera, Inc.
Classification: Likely pathogenic for Mucolipidosis type IV. Last evaluated: 2025-01-28. Review status: criteria provided, single submitter. Criteria: Natera Variant Classification Schema (03/2026). Collection method: clinical testing. Allele origin: germline.
Comment: The c.594delC variant in MCOLN1 is a frameshift variant predicted to shift the reading frame beginning at codon 199 and leads to a stop codon 39 codons downstream. This variant is expected to result in nonsense mediated decay, truncation, or a dysfunctional protein product. This variant is rare in the general population with a frequency below the threshold expected for the associated phenotype(s). Given the available evidence, this variant is classified as Likely Pathogenic.

Labcorp Genetics (formerly Invitae), Labcorp
Classification: Pathogenic for Mucolipidosis type IV. Last evaluated: 2024-05-13. Review status: criteria provided, single submitter. Criteria: Invitae Variant Classification Sherloc (09022015). Collection method: clinical testing. Allele origin: germline.
Comment: This sequence change creates a premature translational stop signal (p.Glu199Serfs*39) in the MCOLN1 gene. It is expected to result in an absent or disrupted protein product. Loss-of-function variants in MCOLN1 are known to be pathogenic (PMID: 11030752, 11317355, 37972748). This variant is present in population databases (no rsID available, gnomAD 0.003%). This variant has not been reported in the literature in individuals affected with MCOLN1-related conditions. ClinVar contains an entry for this variant (Variation ID: 1068939). For these reasons, this variant has been classified as Pathogenic.

Literature cited by the submitters: PubMed 11030752 (cited by Labcorp Genetics (formerly Invitae), Labcorp); PubMed 11317355 (cited by Labcorp Genetics (formerly Invitae), Labcorp); PubMed 37972748 (cited by Labcorp Genetics (formerly Invitae), Labcorp).

NM_020533.3(MCOLN1):c.594del (p.Glu199fs)

Gene: MCOLN1 (mucolipin TRP cation channel 1; plus strand). Cytogenetic location: 19p13.2.
Variant type: Deletion.
Coding change: c.594del on transcript NM_020533.3 (MANE Select); coding-DNA position 594, one base deleted (C; older notation c.594delC).
Protein change: p.Glu199fs; shifts the reading frame from glutamic acid 199.
Molecular consequence: frameshift variant.
Genome position (GRCh38, 1-based): chr19:7,527,542, C deleted; the last of 6 consecutive C bases (chr19:7,527,537-7,527,542); deleting any one gives the same sequence. VCF-style (leftmost placement, unchanged base first): chr19-7527536-TC-T. GRCh37 (hg19) VCF-style: chr19-7592422-TC-T.
Other names: c.594delC (NM_020533.2); short protein forms E199fs.
Identifiers: ClinVar variation 1068939 (VCV001068939.8), dbSNP rs1349755445, ClinGen allele CA505230333.